The following is an entry in ClinVar:

ClinVar aggregate classification (germline): Uncertain significance. Review status: criteria provided, multiple submitters, no conflicts (2 of 4 stars). 2 submissions from 2 submitters: Uncertain significance (2). Last evaluated 2025-12-11.

Conditions:
Polycystic kidney disease 6 with or without polycystic liver disease. Also called: Autosomal Dominant Polycystic Kidney Disease-DNAJB11. Identifiers: MedGen C4748044, MONDO:0054842, OMIM 618061.

gnomAD v4.1: 2 of 1,613,944 alleles (0.00012%); highest among the groups gnomAD compares: Non-Finnish European, 0.00017%; no homozygotes.

Submissions (2):

Victorian Clinical Genetics Services, Murdoch Childrens Research Institute
Classification: Uncertain significance for Polycystic kidney disease 6 with or without polycystic liver disease. Last evaluated: 2025-12-11. Review status: criteria provided, single submitter. Criteria: ACMG Guidelines, 2015. Collection method: clinical testing. Allele origin: germline. Affected: yes.
Comment: This variant is classified as VUS-3B. Evidence in support of pathogenic classification: Variant is present in gnomAD <0.01 (v4: 2 heterozygote(s), 0 homozygote(s)); Missense variant predicted to be damaging by in silico tool(s) or highly conserved with a major amino acid change. Additional information: Variant is predicted to result in a missense amino acid change from Asp to Asn; This variant is heterozygous; This gene is associated with autosomal dominant disease. However, there is emerging evidence of a recessive association (PMID: 33129895, 34177435); Previous evidence of pathogenicity for this variant is inconclusive. This variant has been classified as a VUS in ClinVar, and reported in an individual with renal cysts who also had a VUS in PKD1 (VCGS). - No published evidence of segregation with disease has been identified for this variant; No published functional evidence has been identified for this variant; No comparable missense variants have previous evidence for pathogenicity; Variant is located in the annotated DnaJ domain (DECIPHER); Loss of function is a known mechanism of disease in this gene and is associated with polycystic kidney disease 6 with or without polycystic liver disease (MIM#618061); Inheritance information for this variant is not currently available in this individual.

MVZ Medizinische Genetik Mainz
Classification: Uncertain significance for Polycystic kidney disease 6 with or without polycystic liver disease. Last evaluated: 2024-08-16. Review status: criteria provided, single submitter. Criteria: UK Practice Guidelines For Variant Classification V4 01 2020. Collection method: clinical testing. Allele origin: germline. Inheritance: Autosomal dominant inheritance. Affected: yes. Observed: 1 variant allele.
Comment: ACMG Criteria: PM1,PP3_MOD,PM2_SUP

Literature cited by the submitters: PubMed 34177435 (cited by Victorian Clinical Genetics Services, Murdoch Childrens Research Institute); PubMed 33129895 (cited by Victorian Clinical Genetics Services, Murdoch Childrens Research Institute).

NM_016306.6(DNAJB11):c.163G>A (p.Asp55Asn)

Gene: DNAJB11 (DnaJ heat shock protein family (Hsp40) member B11; plus strand). Cytogenetic location: 3q27.3.
Variant type: single nucleotide variant.
Coding change: c.163G>A on transcript NM_016306.6 (MANE Select); coding-DNA position 163, G replaced by A.
Protein change: p.Asp55Asn; replaces aspartic acid 55 with asparagine.
Molecular consequence: missense variant. On other transcripts: non-coding transcript variant (6).
Genome position (GRCh38, 1-based): chr3:186,572,189, G>A. VCF-style: chr3-186572189-G-A. GRCh37 (hg19) VCF-style: chr3-186289978-G-A.
Other names: c.163G>A, p.Asp55Asn (NM_001378451.1); short protein forms D55N.
Identifiers: ClinVar variation 3338402 (VCV003338402.4).